The following is an entry in ClinVar:

NM_003126.4(SPTA1):c.6877C>T (p.His2293Tyr)

Gene: SPTA1 (spectrin alpha, erythrocytic 1; minus strand). Cytogenetic location: 1q23.1.
Variant type: single nucleotide variant.
Coding change: c.6877C>T on transcript NM_003126.4 (MANE Select); coding-DNA position 6877, C replaced by T.
Protein change: p.His2293Tyr; replaces histidine 2293 with tyrosine.
Molecular consequence: missense variant.
Genome position (GRCh38, 1-based): chr1:158,613,833, G>A on the plus strand (C>T on the coding strand, the complement: SPTA1 is on the minus strand). VCF-style: chr1-158613833-G-A. GRCh37 (hg19) VCF-style: chr1-158583623-G-A.
Other names: short protein forms H2293Y.
Identifiers: ClinVar variation 5002809 (VCV005002809.1).

ClinVar aggregate classification (germline): Uncertain significance (1 of 4 stars; one submission).

Conditions:
Elliptocytosis 2 (EL2). Also called: ELLIPTOCYTOSIS, RHESUS-UNLINKED TYPE. Identifiers: Orphanet 288, MedGen C1851741, MONDO:0007533, OMIM 130600.

Submission:

OLLIN Analises Genomicas, OLLIN
Classification: Uncertain significance for Elliptocytosis 2. Last evaluated: 2026-08-06. Review status: criteria provided, single submitter. Criteria: ACMG Guidelines 2015 PMID 25741868. Collection method: clinical testing. Allele origin: germline. Inheritance: Autosomal dominant inheritance.
Comment: This missense variant, located in exon 50 (of 52), is absent from gnomAD and ClinVar and has not been identified in the literature. In silico analysis predicts that this variant has a tolerated effect. According to the currently available evidence, this variant has been classified as uncertain significance (PM2_P, BP4_M).